The following is an entry in ClinVar:

NM_033380.3(COL4A5):c.3640G>A (p.Gly1214Arg)

Gene: COL4A5 (collagen type IV alpha 5 chain; plus strand). Cytogenetic location: Xq22.3.
Variant type: single nucleotide variant.
Coding change: c.3640G>A on transcript NM_033380.3 (MANE Select); coding-DNA position 3640, G replaced by A.
Protein change: p.Gly1214Arg; replaces glycine 1214 with arginine.
Molecular consequence: missense variant.
Genome position (GRCh38, 1-based): chrX:108,668,354, G>A. VCF-style: chrX-108668354-G-A. GRCh37 (hg19) VCF-style: chrX-107911584-G-A.
Other names: c.3640G>A, p.Gly1214Arg (NM_000495.5); short protein forms G1214R.
Identifiers: ClinVar variation 1067445 (VCV001067445.10), dbSNP rs2147959120, ClinGen allele CA413848463.
Genomic context (GRCh38, chrX:108,668,354, plus strand): 5'-TTCTAATTATACTTTACTTTCATAGGCCAAAAGGGTGATGGAGGATTACCTGGGATTCCA[G>A]GAAATCCTGGCCTTCCAGGTCCAAAGGGCGAACCAGGCTTTCACGGTTTCCCTGGTGTGC-3'
Protein context (NP_203699.1, residues 1204-1224): KGDGGLPGIP[Gly1214Arg]NPGLPGPKGE

ClinVar aggregate classification (germline): Likely pathogenic. Review status: criteria provided, multiple submitters, no conflicts (2 of 4 stars). 2 submissions from 2 submitters: Likely pathogenic (2). Last evaluated 2024-06-04.

Conditions:
X-linked Alport syndrome (ATS1). Also called: NEPHROPATHY AND DEAFNESS, X-LINKED; COL4A5-Related Nephropathy. Identifiers: Orphanet 63, Orphanet 88917, MedGen C4746986, MONDO:0010520, OMIM 301050.

Submissions (2):

Labcorp Genetics (formerly Invitae), Labcorp
Classification: Likely pathogenic. Last evaluated: 2024-06-04. Review status: criteria provided, single submitter. Criteria: Invitae Variant Classification Sherloc (09022015). Collection method: clinical testing. Allele origin: germline.
Comment: This sequence change replaces glycine, which is neutral and non-polar, with arginine, which is basic and polar, at codon 1214 of the COL4A5 protein (p.Gly1214Arg). This variant is not present in population databases (gnomAD no frequency). This variant has not been reported in the literature in individuals affected with COL4A5-related conditions. ClinVar contains an entry for this variant (Variation ID: 1067445). Advanced modeling of protein sequence and biophysical properties (such as structural, functional, and spatial information, amino acid conservation, physicochemical variation, residue mobility, and thermodynamic stability) performed at Invitae indicates that this missense variant is expected to disrupt COL4A5 protein function with a positive predictive value of 95%. This variant disrupts the triple helix domain of COL4A5. Glycine residues within the Gly-Xaa-Yaa repeats of the triple helix domain are required for the structure and stability of fibrillar collagens (PMID: 7695699, 8218237, 19344236). In COL4A5, missense variants at these glycine residues are significantly enriched in individuals with disease (PMID: 23720012, 27627812) compared to the general population (ExAC). In summary, the currently available evidence indicates that the variant is pathogenic, but additional data are needed to prove that conclusively. Therefore, this variant has been classified as Likely Pathogenic.

Fulgent Genetics
Classification: Likely pathogenic for X-linked Alport syndrome. Last evaluated: 2023-12-23. Review status: criteria provided, single submitter. Criteria: ACMG Guidelines, 2015. Collection method: clinical testing. Allele origin: germline.

Literature cited by the submitters: PubMed 7695699 (cited by Labcorp Genetics (formerly Invitae), Labcorp); PubMed 8218237 (cited by Labcorp Genetics (formerly Invitae), Labcorp); PubMed 19344236 (cited by Labcorp Genetics (formerly Invitae), Labcorp); PubMed 23720012 (cited by Labcorp Genetics (formerly Invitae), Labcorp); PubMed 27627812 (cited by Labcorp Genetics (formerly Invitae), Labcorp).